The following is an entry in ClinVar:

ClinVar aggregate classification (germline): Uncertain significance (1 of 4 stars; one submission).

gnomAD v4.1: 14 of 1,557,286 alleles (0.0009%); highest among the groups gnomAD compares: Non-Finnish European, 0.0012%; no homozygotes.

Submission:

GeneDx
Classification: Uncertain significance. Last evaluated: 2024-02-01. Review status: criteria provided, single submitter. Criteria: GeneDx Variant Classification Process June 2021. Collection method: clinical testing. Allele origin: germline. Affected: yes.
Comment: In silico analysis supports that this missense variant does not alter protein structure/function; Has not been previously published as pathogenic or benign to our knowledge

NM_001379200.1(TBX1):c.1461G>C (p.Met487Ile)

Gene: TBX1 (T-box transcription factor 1; plus strand). Cytogenetic location: 22q11.21.
Variant type: single nucleotide variant.
Coding change: c.1461G>C on transcript NM_001379200.1 (MANE Select); coding-DNA position 1461, G replaced by C.
Protein change: p.Met487Ile; replaces methionine 487 with isoleucine.
Molecular consequence: missense variant. On other transcripts: intron variant (2).
Genome position (GRCh38, 1-based): chr22:19,766,813, G>C. VCF-style: chr22-19766813-G-C. GRCh37 (hg19) VCF-style: chr22-19754336-G-C.
Other names: c.1434G>C, p.Met478Ile (NM_080647.1); c.1009+811G>C (NM_005992.1, NM_080646.2); short protein forms M478I, M487I.
Identifiers: ClinVar variation 3368566 (VCV003368566.1).
Genomic context (GRCh38, chr22:19,766,813, plus strand): 5'-CGTGAGTCCAGCCGCCGCGGCCGCCGCCGCCGCTGCCGCAGCTGCCGCGGCCGCCAACAT[G>C]TACTCGTCGGCCGGAGCCGCGCCGCCCGGCTCCTACGACTATTGCCCCAGATAACACGGG-3'
Protein context (NP_001366129.1, residues 477-497): AAAAAAAAAN[Met487Ile]YSSAGAAPPG